The following is an entry in ClinVar:

NM_000898.5(MAOB):c.82C>T (p.Leu28=)

Gene: MAOB (monoamine oxidase B; minus strand). Cytogenetic location: Xp11.3.
Variant type: single nucleotide variant.
Coding change: c.82C>T on transcript NM_000898.5 (MANE Select); coding-DNA position 82, C replaced by T.
Protein change: p.Leu28=; no amino-acid change (leucine 28 retained).
Molecular consequence: synonymous variant.
Genome position (GRCh38, 1-based): chrX:43,843,729, G>A on the plus strand (C>T on the coding strand, the complement: MAOB is on the minus strand). VCF-style: chrX-43843729-G-A. GRCh37 (hg19) VCF-style: chrX-43702975-G-A.
Identifiers: ClinVar variation 2660360 (VCV002660360.24), dbSNP rs2519259266, ClinGen allele CA516139359.

ClinVar aggregate classification (germline): Likely benign (1 of 4 stars; one submission).

Submission:

CeGaT Center for Human Genetics Tuebingen
Classification: Likely benign. Last evaluated: 2023-03-01. Review status: criteria provided, single submitter. Criteria: CeGaT Center For Human Genetics Tuebingen Variant Classification Criteria Version 2. Collection method: clinical testing. Allele origin: germline. Affected: yes. Observed: 1 variant allele.
Comment: MAOB: PM2:Supporting, BP4, BP7